The following is an entry in ClinVar:

ClinVar aggregate classification (germline): Likely pathogenic (1 of 4 stars; one submission).

Conditions:
Ornithine carbamoyltransferase deficiency (OTCD). Also called: OTC DEFICIENCY; Ornithine Carbamoyltransferase Deficiency Disease; ORNITHINE TRANSCARBAMYLASE DEFICIENCY; ORNITHINE TRANSCARBAMYLASE DEFICIENCY, HYPERAMMONEMIA DUE TO. Identifiers: Orphanet 664, MedGen C0268542, MONDO:0010703, OMIM 311250.

Submission:

Labcorp Genetics (formerly Invitae), Labcorp
Classification: Likely pathogenic for Ornithine carbamoyltransferase deficiency. Last evaluated: 2022-11-29. Review status: criteria provided, single submitter. Criteria: Invitae Variant Classification Sherloc (09022015). Collection method: clinical testing. Allele origin: germline.
Comment: In summary, the currently available evidence indicates that the variant is pathogenic, but additional data are needed to prove that conclusively. Therefore, this variant has been classified as Likely Pathogenic. This variant disrupts the p.Val315 amino acid residue in OTC. Other variant(s) that disrupt this residue have been determined to be pathogenic (PMID: 10946359; Invitae). This suggests that this residue is clinically significant, and that variants that disrupt this residue are likely to be disease-causing. Advanced modeling of protein sequence and biophysical properties (such as structural, functional, and spatial information, amino acid conservation, physicochemical variation, residue mobility, and thermodynamic stability) performed at Invitae indicates that this missense variant is expected to disrupt OTC protein function. This variant has not been reported in the literature in individuals affected with OTC-related conditions. This variant is not present in population databases (gnomAD no frequency). This sequence change replaces valine, which is neutral and non-polar, with isoleucine, which is neutral and non-polar, at codon 315 of the OTC protein (p.Val315Ile).

Literature cited by the submitters: PubMed 10946359.

NM_000531.6(OTC):c.943G>A (p.Val315Ile)

Gene: OTC (ornithine transcarbamylase; plus strand). Cytogenetic location: Xp11.4.
Variant type: single nucleotide variant.
Coding change: c.943G>A on transcript NM_000531.6 (MANE Select); coding-DNA position 943, G replaced by A.
Protein change: p.Val315Ile; replaces valine 315 with isoleucine.
Molecular consequence: missense variant.
Genome position (GRCh38, 1-based): chrX:38,411,937, G>A. VCF-style: chrX-38411937-G-A. GRCh37 (hg19) VCF-style: chrX-38271190-G-A.
Other names: c.943G>A, p.Val315Ile (NM_001407092.1); short protein forms V315I.
Identifiers: ClinVar variation 2781000 (VCV002781000.3), dbSNP rs72558470, ClinGen allele CA412726366.